The following is an entry in ClinVar:

ClinVar aggregate classification (germline): Uncertain significance. Review status: criteria provided, multiple submitters, no conflicts (2 of 4 stars). 2 submissions from 2 submitters: Uncertain significance (2). Last evaluated 2023-08-31.

Conditions:
SOS2-related disorder. Also called: SOS2-related condition.
Noonan syndrome 9 (NS9). Identifiers: Orphanet 648, MedGen C4225282, MONDO:0014691, OMIM 616559.

Submissions (2):

PreventionGenetics, part of Exact Sciences
Classification: Uncertain significance for SOS2-related condition. Last evaluated: 2023-08-31. Review status: criteria provided, single submitter. Criteria: ACMG Guidelines, 2015. Collection method: clinical testing. Allele origin: germline.
Comment: The SOS2 c.3655G>A variant is predicted to result in the amino acid substitution p.Val1219Ile. To our knowledge, this variant has not been reported in the literature or in a large population database, indicating this variant is rare. At this time, the clinical significance of this variant is uncertain due to the absence of conclusive functional and genetic evidence.

Labcorp Genetics (formerly Invitae), Labcorp
Classification: Uncertain significance for Noonan syndrome 9. Last evaluated: 2022-12-23. Review status: criteria provided, single submitter. Criteria: Invitae Variant Classification Sherloc (09022015). Collection method: clinical testing. Allele origin: germline.
Comment: Advanced modeling of protein sequence and biophysical properties (such as structural, functional, and spatial information, amino acid conservation, physicochemical variation, residue mobility, and thermodynamic stability) performed at Invitae indicates that this missense variant is not expected to disrupt SOS2 protein function. This sequence change replaces valine, which is neutral and non-polar, with isoleucine, which is neutral and non-polar, at codon 1219 of the SOS2 protein (p.Val1219Ile). This variant is not present in population databases (gnomAD no frequency). This variant has not been reported in the literature in individuals affected with SOS2-related conditions. In summary, the available evidence is currently insufficient to determine the role of this variant in disease. Therefore, it has been classified as a Variant of Uncertain Significance.

NM_006939.4(SOS2):c.3655G>A (p.Val1219Ile)

Gene: SOS2 (SOS Ras/Rho guanine nucleotide exchange factor 2; minus strand). Cytogenetic location: 14q21.3.
Variant type: single nucleotide variant.
Coding change: c.3655G>A on transcript NM_006939.4 (MANE Select); coding-DNA position 3655, G replaced by A.
Protein change: p.Val1219Ile; replaces valine 1219 with isoleucine.
Molecular consequence: missense variant.
Genome position (GRCh38, 1-based): chr14:50,118,688, C>T on the plus strand (G>A on the coding strand, the complement: SOS2 is on the minus strand). VCF-style: chr14-50118688-C-T. GRCh37 (hg19) VCF-style: chr14-50585406-C-T.
Other names: c.3556G>A, p.Val1186Ile (NM_001411020.1); short protein forms V1186I, V1219I.
Identifiers: ClinVar variation 2628648 (VCV002628648.4), dbSNP rs2502757920, ClinGen allele CA389638379.
Genomic context (GRCh38, chr14:50,118,688, plus strand): 5'-GTGGAGGTGGCTGAAGATTAAATGGACAGTTTATAAAGTGTTCTGGAGGCCGAAGGGGAA[C>T]TGGTGGAGGGGTATCAGGAAGAGGATCTCTTGGTGGTGGCGGAGGTGGACTATGCAGAGG-3'
Protein context (NP_008870.2, residues 1209-1229): RDPLPDTPPP[Val1219Ile]PLRPPEHFIN